The following is an entry in ClinVar:

NM_006231.4(POLE):c.890C>T (p.Ser297Phe)

Gene: POLE (DNA polymerase epsilon, catalytic subunit; minus strand). Cytogenetic location: 12q24.33.
Variant type: single nucleotide variant.
Coding change: c.890C>T on transcript NM_006231.4 (MANE Select); coding-DNA position 890, C replaced by T.
Protein change: p.Ser297Phe; replaces serine 297 with phenylalanine.
Molecular consequence: missense variant.
Genome position (GRCh38, 1-based): chr12:132,676,565, G>A on the plus strand (C>T on the coding strand, the complement: POLE is on the minus strand). VCF-style: chr12-132676565-G-A. GRCh37 (hg19) VCF-style: chr12-133253151-G-A.
Other names: short protein forms S297F.
Identifiers: ClinVar variation 2769715 (VCV002769715.3), dbSNP rs2136015595, ClinGen allele CA387364197.

ClinVar aggregate classification (germline): Likely pathogenic (1 of 4 stars; one submission).

Submission:

Labcorp Genetics (formerly Invitae), Labcorp
Classification: Likely pathogenic. Last evaluated: 2023-10-18. Review status: criteria provided, single submitter. Criteria: Invitae Variant Classification Sherloc (09022015). Collection method: clinical testing. Allele origin: germline.
Comment: This sequence change replaces serine, which is neutral and polar, with phenylalanine, which is neutral and non-polar, at codon 297 of the POLE protein (p.Ser297Phe). This variant is not present in population databases (gnomAD no frequency). This missense change has been observed in individual(s) with autosomal dominant POLE-related conditions (PMID: 34816535). In at least one individual the variant was observed to be de novo. Advanced modeling of protein sequence and biophysical properties (such as structural, functional, and spatial information, amino acid conservation, physicochemical variation, residue mobility, and thermodynamic stability) performed at Invitae indicates that this missense variant is expected to disrupt POLE protein function with a positive predictive value of 80%. In summary, the currently available evidence indicates that the variant is pathogenic, but additional data are needed to prove that conclusively. Therefore, this variant has been classified as Likely Pathogenic.

Literature cited by the submitters: PubMed 34816535.